The following is an entry in ClinVar:

NM_001199138.2(NLRC4):c.1252G>A (p.Glu418Lys)

Gene: NLRC4 (NLR family CARD domain containing 4; minus strand). Cytogenetic location: 2p22.3.
Variant type: single nucleotide variant.
Coding change: c.1252G>A on transcript NM_001199138.2 (MANE Select); coding-DNA position 1252, G replaced by A.
Protein change: p.Glu418Lys; replaces glutamic acid 418 with lysine.
Molecular consequence: missense variant. On other transcripts: intron variant (1).
Genome position (GRCh38, 1-based): chr2:32,250,612, C>T on the plus strand (G>A on the coding strand, the complement: NLRC4 is on the minus strand). VCF-style: chr2-32250612-C-T. GRCh37 (hg19) VCF-style: chr2-32475681-C-T.
Other names: c.1252G>A, p.Glu418Lys (NM_001199139.2, NM_021209.5); c.262+1807G>A (NM_001302504.1); short protein forms E418K.
Identifiers: ClinVar variation 2938142 (VCV002938142.3), dbSNP rs1173871053, ClinGen allele CA346512973.

ClinVar aggregate classification (germline): Uncertain significance (1 of 4 stars; one submission).

Conditions:
Periodic fever-infantile enterocolitis-autoinflammatory syndrome. Also called: Autoinflammation with infantile enterocolitis. Identifiers: Orphanet 436166, MedGen C4015067, MONDO:0014472, OMIM 616050.
Familial cold autoinflammatory syndrome 4 (FCAS4). Identifiers: Orphanet 47045, Orphanet 576349, MedGen C4015276, MONDO:0014498, OMIM 616115.

Allele frequency attached by ClinVar (database versions not stated): TOPMed below 0.00001; gnomAD 0.00001.

Submission:

Labcorp Genetics (formerly Invitae), Labcorp
Classification: Uncertain significance for Periodic fever-infantile enterocolitis-autoinflammatory syndrome; Familial cold autoinflammatory syndrome 4. Last evaluated: 2024-02-14. Review status: criteria provided, single submitter. Criteria: Invitae Variant Classification Sherloc (09022015). Collection method: clinical testing. Allele origin: germline.
Comment: This sequence change replaces glutamic acid, which is acidic and polar, with lysine, which is basic and polar, at codon 418 of the NLRC4 protein (p.Glu418Lys). This variant is present in population databases (no rsID available, gnomAD 0.0009%). This variant has not been reported in the literature in individuals affected with NLRC4-related conditions. Advanced modeling of protein sequence and biophysical properties (such as structural, functional, and spatial information, amino acid conservation, physicochemical variation, residue mobility, and thermodynamic stability) performed at Invitae indicates that this missense variant is expected to disrupt NLRC4 protein function with a positive predictive value of 80%. In summary, the available evidence is currently insufficient to determine the role of this variant in disease. Therefore, it has been classified as a Variant of Uncertain Significance.